The following is an entry in ClinVar:

ClinVar aggregate classification (germline): Uncertain significance (1 of 4 stars; one submission).

Conditions:
Hereditary cancer-predisposing syndrome. Also called: Neoplastic Syndromes, Hereditary; Tumor predisposition; Hereditary Cancer Syndrome; Hereditary neoplastic syndrome. Identifiers: Orphanet 140162, MedGen C0027672, MeSH D009386, MONDO:0015356.

Submission:

Ambry Genetics
Classification: Uncertain significance for Hereditary cancer-predisposing syndrome. Last evaluated: 2025-10-14. Review status: criteria provided, single submitter. Criteria: Ambry Variant Classification Scheme 2023. Collection method: clinical testing. Allele origin: germline.
Comment: The p.E537D variant (also known as c.1611G>C), located in coding exon 11 of the PMS2 gene, results from a G to C substitution at nucleotide position 1611. The glutamic acid at codon 537 is replaced by aspartic acid, an amino acid with highly similar properties. This amino acid position is conserved. In addition, this alteration is predicted to be tolerated by in silico analysis. Based on the available evidence, the clinical significance of this variant remains unclear.

NM_000535.7(PMS2):c.1611G>C (p.Glu537Asp)

Gene: PMS2 (PMS1 homolog 2, mismatch repair system component; minus strand). Cytogenetic location: 7p22.1.
Variant type: single nucleotide variant.
Coding change: c.1611G>C on transcript NM_000535.7 (MANE Select); coding-DNA position 1611, G replaced by C.
Protein change: p.Glu537Asp; replaces glutamic acid 537 with aspartic acid.
Molecular consequence: missense variant. On other transcripts: non-coding transcript variant (1), intron variant (1).
Genome position (GRCh38, 1-based): chr7:5,987,154, C>G on the plus strand (G>C on the coding strand, the complement: PMS2 is on the minus strand). VCF-style: chr7-5987154-C-G. GRCh37 (hg19) VCF-style: chr7-6026785-C-G.
Other names: c.1050G>C, p.Glu350Asp (NM_001322010.2, NM_001406906.1, NM_001406907.1); c.1611G>C, p.Glu537Asp (NM_001322014.2, NM_001406871.1, NM_001406872.1); c.678G>C, p.Glu226Asp (NM_001322011.2, NM_001322012.2); c.1038G>C, p.Glu346Asp (NM_001322013.2, NM_001406909.1); c.1302G>C, p.Glu434Asp (NM_001322015.2, NM_001406875.1, NM_001406877.1 and 5 more transcripts); c.1797G>C, p.Glu599Asp (NM_001406866.1); c.1635G>C, p.Glu545Asp (NM_001406868.1); c.1503G>C, p.Glu501Asp (NM_001406869.1); and 13 more; short protein forms E226D, E471D, E485D, E545D, E346D, E350D, E431D, E501D.
Identifiers: ClinVar variation 4667394 (VCV004667394.1).